The following is an entry in ClinVar:

NM_176817.5(TAS2R38):c.945T>C (p.Ala315=)

Gene: TAS2R38 (taste 2 receptor member 38; minus strand). Cytogenetic location: 7q34.
Variant type: single nucleotide variant.
Coding change: c.945T>C on transcript NM_176817.5 (MANE Select); coding-DNA position 945, T replaced by C.
Protein change: p.Ala315=; no amino-acid change (alanine 315 retained).
Molecular consequence: synonymous variant.
Genome position (GRCh38, 1-based): chr7:141,972,745, A>G on the plus strand (T>C on the coding strand, the complement: TAS2R38 is on the minus strand). VCF-style: chr7-141972745-A-G. GRCh37 (hg19) VCF-style: chr7-141672545-A-G.
Identifiers: ClinVar variation 2658096 (VCV002658096.24), dbSNP rs2485580984, ClinGen allele CA458161407.

ClinVar aggregate classification (germline): Likely benign (1 of 4 stars; one submission).

Submission:

CeGaT Center for Human Genetics Tuebingen
Classification: Likely benign. Last evaluated: 2023-11-01. Review status: criteria provided, single submitter. Criteria: CeGaT Center For Human Genetics Tuebingen Variant Classification Criteria Version 2. Collection method: clinical testing. Allele origin: germline. Affected: yes. Observed: 1 variant allele.
Comment: TAS2R38: PM2:Supporting, BP4, BP7